The following is an entry in ClinVar:

NM_022124.6(CDH23):c.7224+1G>T

Gene: CDH23 (cadherin related 23; plus strand). Cytogenetic location: 10q22.1.
Variant type: single nucleotide variant.
Coding change: c.7224+1G>T on transcript NM_022124.6 (MANE Select); the canonical splice donor site of the intron after coding-DNA position 7224, G replaced by T.
Molecular consequence: splice donor variant.
Genome position (GRCh38, 1-based): chr10:71,799,281, G>T. VCF-style: chr10-71799281-G-T. GRCh37 (hg19) VCF-style: chr10-73559038-G-T.
Other names: c.504+1G>T (NM_001171933.1, NM_001171934.1); c.7224+1G>T (NM_022124.5).
Identifiers: ClinVar variation 3241051 (VCV003241051.2), dbSNP rs2494403705.

ClinVar aggregate classification (germline): Likely pathogenic. Review status: criteria provided, multiple submitters, no conflicts (2 of 4 stars). 2 submissions from 2 submitters: Likely pathogenic (2). Last evaluated 2025-09-11.

Conditions:
Usher syndrome type 1 (USH1). Also called: RETINITIS PIGMENTOSA AND CONGENITAL DEAFNESS. Identifiers: Orphanet 231169, Orphanet 886, MedGen C1568247, MONDO:0010168, OMIM 276900.
Pituitary adenoma 5, multiple types. Identifiers: MedGen C4539685, MONDO:0054601, OMIM 617540.

Submissions (2):

Natera, Inc.
Classification: Likely pathogenic for Usher syndrome type 1. Last evaluated: 2025-09-11. Review status: criteria provided, single submitter. Criteria: Natera Variant Classification Schema (03/2026). Collection method: clinical testing. Allele origin: germline.
Comment: The c.7224+1G>T variant in CDH23 is a canonical splice donor site variant predicted to affect pre-mRNA splicing, which may result in an abnormal transcript and altered protein product. This variant is expected to result in nonsense mediated decay, truncation, or a dysfunctional protein product. This variant is rare in the general population with a frequency below the threshold expected for the associated phenotype(s). Given the available evidence, this variant is classified as Likely Pathogenic.

Baylor Genetics
Classification: Likely pathogenic for Pituitary adenoma 5, multiple types. Last evaluated: 2023-12-24. Review status: criteria provided, single submitter. Criteria: ACMG Guidelines, 2015. Collection method: clinical testing. Allele origin: unknown.